The following is an entry in ClinVar:

ClinVar aggregate classification (germline): Benign. Review status: criteria provided, single submitter (1 of 4 stars). 2 submissions from 2 submitters: Benign (1). 1 of the submissions does not count toward it. Last evaluated 2025-06-22.

Conditions:
ARID1B-Related Disorder. Identifiers: MedGen CN381337.

Allele frequency attached by ClinVar (database versions not stated): gnomAD 0.00002; TOPMed 0.00005; ExAC 0.00007.
gnomAD v4.1: 28 of 1,607,122 alleles (0.0017%); highest among the groups gnomAD compares: East Asian, 0.04%; no homozygotes.

Submissions (2):

Labcorp Genetics (formerly Invitae), Labcorp
Classification: Benign. Last evaluated: 2025-06-22. Review status: criteria provided, single submitter. Criteria: Invitae Variant Classification Sherloc (09022015). Collection method: clinical testing. Allele origin: germline.

PreventionGenetics, part of Exact Sciences
Classification: Likely benign for ARID1B-related condition. Last evaluated: 2019-04-29. Review status: no assertion criteria provided. Collection method: clinical testing. Allele origin: germline. Not counted in ClinVar's aggregate classification.
Comment: This variant is classified as likely benign based on ACMG/AMP sequence variant interpretation guidelines (Richards et al. 2015 PMID: 25741868, with internal and published modifications).

NM_001374828.1(ARID1B):c.3927G>A (p.Ser1309=)

Gene: ARID1B (AT-rich interaction domain 1B; plus strand). Cytogenetic location: 6q25.3.
Variant type: single nucleotide variant.
Coding change: c.3927G>A on transcript NM_001374828.1 (MANE Select); coding-DNA position 3927, G replaced by A.
Protein change: p.Ser1309=; no amino-acid change (serine 1309 retained).
Molecular consequence: synonymous variant.
Genome position (GRCh38, 1-based): chr6:157,189,649, G>A. VCF-style: chr6-157189649-G-A. GRCh37 (hg19) VCF-style: chr6-157510783-G-A.
Other names: c.3678G>A, p.Ser1226= (NM_001346813.1); c.1428G>A, p.Ser476= (NM_001363725.2); c.3807G>A, p.Ser1269= (NM_001371656.1, NM_001374820.1); c.3768G>A, p.Ser1256= (NM_017519.3); c.3558G>A, p.Ser1186= (NM_020732.3); c.3345G>A, p.Ser1115= (NM_175863.2).
Identifiers: ClinVar variation 3055605 (VCV003055605.3), dbSNP rs776425168, ClinGen allele CA4067479.